The following is an entry in ClinVar:

ClinVar aggregate classification (germline): Uncertain significance. Review status: criteria provided, multiple submitters, no conflicts (2 of 4 stars). 3 submissions from 3 submitters: Uncertain significance (3). Last evaluated 2025-08-04.

Conditions:
Hereditary cancer-predisposing syndrome. Also called: Neoplastic Syndromes, Hereditary; Tumor predisposition; Hereditary Cancer Syndrome; Hereditary neoplastic syndrome. Identifiers: Orphanet 140162, MedGen C0027672, MeSH D009386, MONDO:0015356.
Hereditary breast ovarian cancer syndrome. Also called: Hereditary breast and ovarian cancer syndrome; Hereditary breast and ovarian cancer; Hereditary breast and ovarian cancer syndrome (HBOC); Breast and ovarian cancer; Hereditary breast and/or ovarian cancer syndrome; BRCA1- and BRCA2-Associated Hereditary Breast and Ovarian Cancer. Identifiers: Orphanet 145, MedGen C0677776, MeSH D061325, MONDO:0003582. Disease mechanism: loss of function.

gnomAD v4.1: 1 of 1,588,744 alleles (0.000063%); highest among the groups gnomAD compares: Non-Finnish European, 0.000086%; no homozygotes.

Submissions (3):

Molecular Diagnostics Laboratory, Catalan Institute of Oncology
Classification: Uncertain significance for Hereditary cancer-predisposing syndrome. Last evaluated: 2025-08-04. Review status: criteria provided, single submitter. Criteria: ClinGen BRCA1BRCA2 ACMG Specifications BRCA2 V1.0.0. Collection method: clinical testing. Allele origin: germline.
Comment: PVS1_N/A (RNA), PM2_Supporting c.681+5G>C is an intronic variant located close to a canonical splice site. The SpliceAI algorithm predicts the loss of the canonic splice donor site of intron 8 (deltascore: 0.98). This prediction was confirmed by an internal RNA assay in cultured lymphocytes from a carrier patient in the presence of NMD-inhibition. It showed the skipping of BRCA2 exon 8 (r.632_681del), which is predicted to lead to a truncated protein (p.Val211Glufs*10). Allele-specific quantitation was performed using a tag-SNP showing that the variant allele produced 28% of full-lenght transcript (PMID: 26780556, internal data) (PVS1_N/A (RNA)). It is not present in the population database gnomAD v2.1.1, non cancer dataset (PM2_Supporting). This variant has been reported in the ClinVar database (2x uncertain significance) and in the BRCA Exchange database as Not yet reviewed, but not in the LOVD database. Based on currently available information, the variant c.681+5G>C should be considered an uncertain significance variant according to ClinGen ENIGMA BRCA1 and BRCA2 Expert Panel Specifications to the ACMG/AMP Variant Interpretation Guidelines for BRCA2 Version 1.0.0.

Ambry Genetics
Classification: Uncertain significance for Hereditary cancer-predisposing syndrome. Last evaluated: 2024-09-24. Review status: criteria provided, single submitter. Criteria: Ambry Variant Classification Scheme 2023. Collection method: clinical testing. Allele origin: germline.
Comment: The c.681+5G>C intronic variant results from a G to C substitution 5 nucleotides after coding exon 7 in the BRCA2 gene. This nucleotide position is highly conserved in available vertebrate species. In silico splice site analysis predicts that this alteration will weaken the native splice donor site. RNA studies have demonstrated that this alteration results in abnormal splicing in the set of samples tested (Quiles F et al. Breast Cancer Res Treat. 2016 Jan;155(2):253-60; Ambry internal data). However, RNA experiments for other alterations at this splice site have shown coding exon 7 splicing alterations to express an in-frame transcript, known as 6q39_8 in the literature (Ambry internal data). This transcript has been shown to be able to perform homology directed repair in protein functional studies at a near wild-type level (Mesman, RLS et al. Genet Med 2020 08;22(8):1355-1365). Since the abundance and functional activity of the 6q39_8 transcript is not clear, the clinical impact of this splicing variant is uncertain. Since supporting evidence is limited at this time, the clinical significance of this alteration remains unclear.

Labcorp Genetics (formerly Invitae), Labcorp
Classification: Uncertain significance for Hereditary breast ovarian cancer syndrome. Last evaluated: 2022-09-24. Review status: criteria provided, single submitter. Criteria: Invitae Variant Classification Sherloc (09022015). Collection method: clinical testing. Allele origin: germline.
Comment: This sequence change falls in intron 8 of the BRCA2 gene. It does not directly change the encoded amino acid sequence of the BRCA2 protein. RNA analysis indicates that this variant induces altered splicing and may result in an absent or disrupted protein product. This variant is not present in population databases (gnomAD no frequency). This variant has been observed in individual(s) with breast cancer (PMID: 26780556). ClinVar contains an entry for this variant (Variation ID: 483115). Variants that disrupt the consensus splice site are a relatively common cause of aberrant splicing (PMID: 17576681, 9536098). Studies have shown that this variant results in exon 8 skipping and introduces a premature termination codon (PMID: 26780556). The resulting mRNA is expected to undergo nonsense-mediated decay. In summary, the available evidence is currently insufficient to determine the role of this variant in disease. Therefore, it has been classified as a Variant of Uncertain Significance.

Literature cited by the submitters: PubMed 26780556 (cited by Ambry Genetics and Labcorp Genetics (formerly Invitae), Labcorp); PubMed 31642931 (cited by Ambry Genetics); PubMed 17576681 (cited by Labcorp Genetics (formerly Invitae), Labcorp); PubMed 9536098 (cited by Labcorp Genetics (formerly Invitae), Labcorp).

NM_000059.4(BRCA2):c.681+5G>C

Gene: BRCA2 (BRCA2 DNA repair associated; plus strand). Cytogenetic location: 13q13.1.
Variant type: single nucleotide variant.
Coding change: c.681+5G>C on transcript NM_000059.4 (MANE Select); 5 bases into the intron after coding-DNA position 681, G replaced by C.
Molecular consequence: intron variant.
Genome position (GRCh38, 1-based): chr13:32,329,497, G>C. VCF-style: chr13-32329497-G-C. GRCh37 (hg19) VCF-style: chr13-32903634-G-C.
Identifiers: ClinVar variation 483115 (VCV000483115.13), dbSNP rs1555281364, ClinGen allele CA658656360.